The following is an entry in ClinVar:

NM_000051.4(ATM):c.1307T>C (p.Leu436Pro)

Gene: ATM (ATM serine/threonine kinase; plus strand). Cytogenetic location: 11q22.3.
Variant type: single nucleotide variant.
Coding change: c.1307T>C on transcript NM_000051.4 (MANE Select); coding-DNA position 1307, T replaced by C.
Protein change: p.Leu436Pro; replaces leucine 436 with proline.
Molecular consequence: missense variant.
Genome position (GRCh38, 1-based): chr11:108,250,772, T>C. VCF-style: chr11-108250772-T-C. GRCh37 (hg19) VCF-style: chr11-108121499-T-C.
Other names: c.1307T>C, p.Leu436Pro (NM_001351834.2); short protein forms L436P.
Identifiers: ClinVar variation 1172190 (VCV001172190.3), dbSNP rs1060501608, ClinGen allele CA382533627.

ClinVar aggregate classification (germline): Uncertain significance. Review status: criteria provided, multiple submitters, no conflicts (2 of 4 stars). 2 submissions from 2 submitters: Uncertain significance (2). Last evaluated 2026-09-14.

Conditions:
Hereditary cancer-predisposing syndrome. Also called: Neoplastic Syndromes, Hereditary; Tumor predisposition; Hereditary Cancer Syndrome; Hereditary neoplastic syndrome. Identifiers: Orphanet 140162, MedGen C0027672, MeSH D009386, MONDO:0015356.

Submissions (2):

Ambry Genetics
Classification: Uncertain significance for Hereditary cancer-predisposing syndrome. Last evaluated: 2026-09-14. Review status: criteria provided, single submitter. Criteria: Ambry Variant Classification Scheme 2023. Collection method: clinical testing. Allele origin: germline.
Comment: The p.L436P variant (also known as c.1307T>C), located in coding exon 9 of the ATM gene, results from a T to C substitution at nucleotide position 1307. The leucine at codon 436 is replaced by proline, an amino acid with similar properties. In an assay testing ATM function, this variant showed a functionally abnormal result (Lee KS et al. Cell, 2025 Sep;188:5081-5099.e27). This amino acid position is well conserved in available vertebrate species. In addition, the in silico prediction for this alteration is inconclusive. Based on the available evidence, the clinical significance of this variant remains unclear.

Color Diagnostics, LLC DBA Color Health
Classification: Uncertain significance for Hereditary cancer-predisposing syndrome. Last evaluated: 2021-01-25. Review status: criteria provided, single submitter. Criteria: ACMG Guidelines, 2015. Collection method: clinical testing. Allele origin: germline.
Comment: This missense variant replaces leucine with proline at codon 436 of the ATM protein. Computational prediction suggests that this variant may not impact protein structure and function (internally defined REVEL score threshold <= 0.5, PMID: 27666373). To our knowledge, functional studies have not been reported for this variant. This variant has not been reported in individuals affected with hereditary cancer in the literature. This variant has not been identified in the general population by the Genome Aggregation Database (gnomAD). The available evidence is insufficient to determine the role of this variant in disease conclusively. Therefore, this variant is classified as a Variant of Uncertain Significance.

Literature cited by the submitters: PubMed 40580951 (cited by Ambry Genetics).